The following is an entry in ClinVar:

NM_018012.4(KIF26B):c.5836C>T (p.Arg1946Trp)

Gene: KIF26B (kinesin family member 26B; plus strand). Cytogenetic location: 1q44.
Variant type: single nucleotide variant.
Coding change: c.5836C>T on transcript NM_018012.4 (MANE Select); coding-DNA position 5836, C replaced by T.
Protein change: p.Arg1946Trp; replaces arginine 1946 with tryptophan.
Molecular consequence: missense variant.
Genome position (GRCh38, 1-based): chr1:245,698,117, C>T. VCF-style: chr1-245698117-C-T. GRCh37 (hg19) VCF-style: chr1-245861419-C-T.
Other names: short protein forms R1946W.
Identifiers: ClinVar variation 3041285 (VCV003041285.2), dbSNP rs147351205, ClinGen allele CA1488769.
Genomic context (GRCh38, chr1:245,698,117, plus strand): 5'-AAATTGAAATTCAGAAAGACTAACTCTCTGGGCTTATCCCCCTCCTCAGGTTCTCAGAGA[C>T]GGAGGCTTATCCCAGCACTATCCCTGGACACCTCTTCCCCTGTGAGAAAACCCCCCAACA-3'
Protein context (NP_060482.2, residues 1936-1956): KKRSNPGSQR[Arg1946Trp]RLIPALSLDT

ClinVar aggregate classification (germline): Benign (0 of 4 stars; one submission).

Conditions:
KIF26B-related disorder. Also called: KIF26B-related condition.

Allele frequency attached by ClinVar (database versions not stated): 1000 Genomes Project 30x 0.00016; 1000 Genomes Project 0.00020; gnomAD exomes 0.00068; ESP Exome Variant Server 0.00084; ExAC 0.00108.
gnomAD v4.1: 1,223 of 1,613,734 alleles (0.076%); highest among the groups gnomAD compares: Non-Finnish European, 0.017%; 15 homozygotes.

Submission:

PreventionGenetics, part of Exact Sciences
Classification: Benign for KIF26B-related condition. Last evaluated: 2019-05-13. Review status: no assertion criteria provided. Collection method: clinical testing. Allele origin: germline.
Comment: This variant is classified as benign based on ACMG/AMP sequence variant interpretation guidelines (Richards et al. 2015 PMID: 25741868, with internal and published modifications).